The following is an entry in ClinVar:

NM_012418.4(FSCN2):c.320A>C (p.His107Pro)

Gene: FSCN2 (fascin actin-bundling protein 2, retinal; plus strand). Cytogenetic location: 17q25.3.
Variant type: single nucleotide variant.
Coding change: c.320A>C on transcript NM_012418.4 (MANE Select); coding-DNA position 320, A replaced by C.
Protein change: p.His107Pro; replaces histidine 107 with proline.
Molecular consequence: missense variant.
Genome position (GRCh38, 1-based): chr17:81,528,851, A>C. VCF-style: chr17-81528851-A-C. GRCh37 (hg19) VCF-style: chr17-79495877-A-C.
Other names: c.320A>C, p.His107Pro (NM_001077182.3); short protein forms H107P.
Identifiers: ClinVar variation 1350202 (VCV001350202.8), dbSNP rs2143848102, ClinGen allele CA401470523.

ClinVar aggregate classification (germline): Uncertain significance (1 of 4 stars; one submission).

Submission:

Labcorp Genetics (formerly Invitae), Labcorp
Classification: Uncertain significance. Last evaluated: 2021-06-24. Review status: criteria provided, single submitter. Criteria: Invitae Variant Classification Sherloc (09022015). Collection method: clinical testing. Allele origin: germline.
Comment: Algorithms developed to predict the effect of missense changes on protein structure and function are either unavailable or do not agree on the potential impact of this missense change (SIFT: "Deleterious"; PolyPhen-2: "Probably Damaging"; Align-GVGD: "Class C0"). In summary, the available evidence is currently insufficient to determine the role of this variant in disease. Therefore, it has been classified as a Variant of Uncertain Significance. This variant has not been reported in the literature in individuals with FSCN2-related conditions. The frequency data for this variant in the population databases is considered unreliable, as metrics indicate insufficient coverage at this position in the ExAC database. This sequence change replaces histidine with proline at codon 107 of the FSCN2 protein (p.His107Pro). The histidine residue is moderately conserved and there is a moderate physicochemical difference between histidine and proline.